The following is an entry in ClinVar:

ClinVar aggregate classification (germline): Uncertain significance. Review status: criteria provided, multiple submitters, no conflicts (2 of 4 stars). 3 submissions from 3 submitters: Uncertain significance (3). Last evaluated 2025-12-29.

Conditions:
Cardiovascular phenotype. Identifiers: MedGen CN230736.
AKAP9-related disorder. Also called: AKAP9-related condition.
Long QT syndrome (LQTS). Identifiers: MedGen C0023976, MeSH D008133, MONDO:0002442. Disease mechanism: loss of function. Inheritance: Various modes of inheritance.

Allele frequency attached by ClinVar (database versions not stated): gnomAD exomes below 0.00001; gnomAD 0.00001; TOPMed 0.00002.
gnomAD v4.1: 8 of 1,614,052 alleles (0.0005%); highest among the groups gnomAD compares: Non-Finnish European, 0.00068%; no homozygotes.

Submissions (3):

Labcorp Genetics (formerly Invitae), Labcorp
Classification: Uncertain significance for Long QT syndrome. Last evaluated: 2025-12-29. Review status: criteria provided, single submitter. Criteria: Invitae Variant Classification Sherloc (09022015). Collection method: clinical testing. Allele origin: germline.
Comment: This sequence change creates a premature translational stop signal (p.Arg3712*) in the AKAP9 gene. It is expected to result in an absent or disrupted protein product. However, the current clinical and genetic evidence is not sufficient to establish whether loss-of-function variants in AKAP9 cause disease. This variant is present in population databases (no rsID available, gnomAD 0.0009%). This variant has not been reported in the literature in individuals affected with AKAP9-related conditions. ClinVar contains an entry for this variant (Variation ID: 1795561). Algorithms developed to predict the effect of sequence changes on RNA splicing suggest that this variant may disrupt the consensus splice site. In summary, the available evidence is currently insufficient to determine the role of this variant in disease. Therefore, it has been classified as a Variant of Uncertain Significance.

Ambry Genetics
Classification: Uncertain significance for Cardiovascular phenotype. Last evaluated: 2025-10-01. Review status: criteria provided, single submitter. Criteria: Ambry Variant Classification Scheme 2023. Collection method: clinical testing. Allele origin: germline.
Comment: The p.R3712* variant (also known as c.11134C>T), located in coding exon 46 of the AKAP9 gene, results from a C to T substitution at nucleotide position 11134. This changes the amino acid from an arginine to a stop codon within coding exon 46. This alteration is expected to result in premature protein truncation or nonsense-mediated mRNA decay. However, loss of function of AKAP9 has not been clearly established as a mechanism of disease. The evidence for this gene-disease relationship is limited; therefore, the clinical significance of this alteration is unclear.

PreventionGenetics, part of Exact Sciences
Classification: Uncertain significance for AKAP9-related condition. Last evaluated: 2025-09-07. Review status: criteria provided, single submitter. Criteria: ACMG Guidelines, 2015. Collection method: clinical testing. Allele origin: germline.
Comment: The AKAP9 c.11134C>T variant is predicted to result in premature protein termination (p.Arg3712*). To our knowledge, this variant has not been reported in the literature. This variant is reported in 0.00088% of alleles in individuals of European (Non-Finnish) descent in gnomAD and is interpreted as uncertain in ClinVar (Variation ID: 1795561). Loss of function of AKAP9 has not been clearly established as a mechanism of disease. At this time, the clinical significance of this variant is uncertain due to the absence of conclusive functional and genetic evidence.

NM_005751.5(AKAP9):c.11134C>T (p.Arg3712Ter)

Gene: AKAP9 (A-kinase anchoring protein 9; plus strand). Cytogenetic location: 7q21.2.
Variant type: single nucleotide variant.
Coding change: c.11134C>T on transcript NM_005751.5 (MANE Select); coding-DNA position 11134, C replaced by T.
Protein change: p.Arg3712Ter; replaces arginine 3712 with a stop codon.
Molecular consequence: nonsense.
Genome position (GRCh38, 1-based): chr7:92,102,630, C>T. VCF-style: chr7-92102630-C-T. GRCh37 (hg19) VCF-style: chr7-91731944-C-T.
Other names: c.5779C>T, p.Arg1927Ter (NM_001379277.1); c.11110C>T, p.Arg3704Ter (NM_147185.3); short protein forms R3712*, R1927*, R3704*.
Identifiers: ClinVar variation 1795561 (VCV001795561.5), dbSNP rs1234676587, ClinGen allele CA368162078.
Genomic context (GRCh38, chr7:92,102,630, plus strand): 5'-CATTCTTCTCTTCCCTAAATATAGAGAATTTATGGTAAATACTTGAGGGCAGAAAGTTTT[C>T]GAAAGGCTCTCATTTACCAGAAGAAATACCTGCTGCTGTTACTGGGTGGGTTCCAGGAAT-3'